The following is an entry in ClinVar:

NM_000057.4(BLM):c.1942A>T (p.Ser648Cys)

Gene: BLM (BLM RecQ like helicase; plus strand). Cytogenetic location: 15q26.1.
Variant type: single nucleotide variant.
Coding change: c.1942A>T on transcript NM_000057.4 (MANE Select); coding-DNA position 1942, A replaced by T.
Protein change: p.Ser648Cys; replaces serine 648 with cysteine.
Molecular consequence: missense variant.
Genome position (GRCh38, 1-based): chr15:90,763,025, A>T. VCF-style: chr15-90763025-A-T. GRCh37 (hg19) VCF-style: chr15-91306255-A-T.
Other names: c.1942A>T, p.Ser648Cys (NM_001287246.2, NM_001287247.2); c.817A>T, p.Ser273Cys (NM_001287248.2); short protein forms S273C, S648C.
Identifiers: ClinVar variation 3224139 (VCV003224139.1), dbSNP rs753303865, ClinGen allele CA7738625.
Genomic context (GRCh38, chr15:90,763,025, plus strand): 5'-GACAAGTCAGCACAAAATTTAGCATCCAGAAATCTGAAACATGAGCGTTTCCAAAGTCTT[A>T]GTTTTCCTCATACAAAGGAAATGATGAAGATTTTTCATAAAAAATTTGGCCTGCATAATT-3'
Protein context (NP_000048.1, residues 638-658): NLKHERFQSL[Ser648Cys]FPHTKEMMKI

ClinVar aggregate classification (germline): Uncertain significance (1 of 4 stars; one submission).

Conditions:
Hereditary cancer-predisposing syndrome. Also called: Tumor predisposition; Hereditary neoplastic syndrome; Hereditary Cancer Syndrome; Neoplastic Syndromes, Hereditary. Identifiers: Orphanet 140162, MedGen C0027672, MeSH D009386, MONDO:0015356.

Allele frequency attached by ClinVar (database versions not stated): gnomAD exomes below 0.00001; ExAC 0.00002.
gnomAD v4.1: 2 of 1,613,876 alleles (0.00012%); highest among the groups gnomAD compares: Non-Finnish European, 0.00017%; no homozygotes.

Submission:

Ambry Genetics
Classification: Uncertain significance for Hereditary cancer-predisposing syndrome. Last evaluated: 2023-12-29. Review status: criteria provided, single submitter. Criteria: Ambry Variant Classification Scheme 2023. Collection method: clinical testing. Allele origin: germline.
Comment: The p.S648C variant (also known as c.1942A>T), located in coding exon 7 of the BLM gene, results from an A to T substitution at nucleotide position 1942. The serine at codon 648 is replaced by cysteine, an amino acid with dissimilar properties. This amino acid position is conserved. In addition, this alteration is predicted to be tolerated by in silico analysis. Since supporting evidence is limited at this time, the clinical significance of this alteration remains unclear.